The following is an entry in ClinVar:

ClinVar aggregate classification (germline): Uncertain significance. Review status: criteria provided, multiple submitters, no conflicts (2 of 4 stars). 2 submissions from 2 submitters: Uncertain significance (2). Last evaluated 2024-01-22.

Conditions:
Primary ciliary dyskinesia 28. Also called: CILIARY DYSKINESIA, PRIMARY, 28, WITH OR WITHOUT SITUS INVERSUS. Identifiers: Orphanet 244, MedGen C3809706, MONDO:0014216, OMIM 615505.
Primary ciliary dyskinesia. Also called: Ciliary dyskinesia. Identifiers: Orphanet 244, MedGen C0008780, MONDO:0016575, HP:0012265.

Submissions (2):

Ambry Genetics
Classification: Uncertain significance for Primary ciliary dyskinesia. Last evaluated: 2024-01-22. Review status: criteria provided, single submitter. Criteria: Ambry Variant Classification Scheme 2023. Collection method: clinical testing. Allele origin: germline.

Labcorp Genetics (formerly Invitae), Labcorp
Classification: Uncertain significance for Primary ciliary dyskinesia 28. Last evaluated: 2022-07-19. Review status: criteria provided, single submitter. Criteria: Invitae Variant Classification Sherloc (09022015). Collection method: clinical testing. Allele origin: germline.
Comment: In summary, the available evidence is currently insufficient to determine the role of this variant in disease. Therefore, it has been classified as a Variant of Uncertain Significance. Algorithms developed to predict the effect of missense changes on protein structure and function are either unavailable or do not agree on the potential impact of this missense change (SIFT: "Deleterious"; PolyPhen-2: "Possibly Damaging"; Align-GVGD: "Class C0"). ClinVar contains an entry for this variant (Variation ID: 1351813). This variant has not been reported in the literature in individuals affected with SPAG1-related conditions. This variant is not present in population databases (gnomAD no frequency). This sequence change replaces arginine, which is basic and polar, with methionine, which is neutral and non-polar, at codon 338 of the SPAG1 protein (p.Arg338Met).

NM_003114.5(SPAG1):c.1013G>T (p.Arg338Met)

Gene: SPAG1 (sperm associated antigen 1; plus strand). Cytogenetic location: 8q22.2.
Variant type: single nucleotide variant.
Coding change: c.1013G>T on transcript NM_003114.5 (MANE Select); coding-DNA position 1013, G replaced by T.
Protein change: p.Arg338Met; replaces arginine 338 with methionine.
Molecular consequence: missense variant.
Genome position (GRCh38, 1-based): chr8:100,194,185, G>T. VCF-style: chr8-100194185-G-T. GRCh37 (hg19) VCF-style: chr8-101206413-G-T.
Other names: c.1013G>T (NM_172218.2); c.1013G>T, p.Arg338Met (NM_001374321.1, NM_172218.3); short protein forms R338M.
Identifiers: ClinVar variation 1351813 (VCV001351813.9), dbSNP rs2132289649, ClinGen allele CA371804633.